The following is an entry in ClinVar:

ClinVar aggregate classification (germline): Uncertain significance. Review status: criteria provided, multiple submitters, no conflicts (2 of 4 stars). 3 submissions from 3 submitters: Uncertain significance (3). Last evaluated 2025-09-27.

Conditions:
Hereditary cancer-predisposing syndrome. Also called: Neoplastic Syndromes, Hereditary; Tumor predisposition; Hereditary Cancer Syndrome; Hereditary neoplastic syndrome. Identifiers: Orphanet 140162, MedGen C0027672, MeSH D009386, MONDO:0015356.
POLD1-related polyposis and colorectal cancer syndrome (CRCS10). Also called: COLORECTAL CANCER, SUSCEPTIBILITY TO, ON CHROMOSOME 19q; Colorectal cancer 10; Colorectal cancer, susceptibility to, 10. Identifiers: Orphanet 220460, MedGen C2675481, MONDO:0012953, OMIM 612591.

Submissions (3):

Ambry Genetics
Classification: Uncertain significance for Hereditary cancer-predisposing syndrome. Last evaluated: 2025-09-27. Review status: criteria provided, single submitter. Criteria: Ambry Variant Classification Scheme 2023. Collection method: clinical testing. Allele origin: germline.
Comment: The p.L125P variant (also known as c.374T>C), located in coding exon 3 of the POLD1 gene, results from a T to C substitution at nucleotide position 374. The leucine at codon 125 is replaced by proline, an amino acid with similar properties. This amino acid position is conserved. In addition, the in silico prediction for this alteration is inconclusive. Based on the available evidence, the clinical significance of this variant remains unclear.

GeneDx
Classification: Uncertain significance. Last evaluated: 2022-08-03. Review status: criteria provided, single submitter. Criteria: GeneDx Variant Classification Process June 2021. Collection method: clinical testing. Allele origin: germline. Affected: yes.
Comment: Not observed at significant frequency in large population cohorts (gnomAD); In silico analysis supports that this missense variant has a deleterious effect on protein structure/function; Has not been previously published as pathogenic or benign to our knowledge

Labcorp Genetics (formerly Invitae), Labcorp
Classification: Uncertain significance for POLD1-related polyposis and colorectal cancer syndrome. Last evaluated: 2021-12-23. Review status: criteria provided, single submitter. Criteria: Invitae Variant Classification Sherloc (09022015). Collection method: clinical testing. Allele origin: germline.
Comment: In summary, the available evidence is currently insufficient to determine the role of this variant in disease. Therefore, it has been classified as a Variant of Uncertain Significance. Algorithms developed to predict the effect of missense changes on protein structure and function are either unavailable or do not agree on the potential impact of this missense change (SIFT: "Deleterious"; PolyPhen-2: "Benign"; Align-GVGD: "Class C0"). This variant has not been reported in the literature in individuals affected with POLD1-related conditions. This variant is not present in population databases (gnomAD no frequency). This sequence change replaces leucine, which is neutral and non-polar, with proline, which is neutral and non-polar, at codon 125 of the POLD1 protein (p.Leu125Pro).

NM_002691.4(POLD1):c.374T>C (p.Leu125Pro)

Gene: POLD1 (DNA polymerase delta 1, catalytic subunit; plus strand). Cytogenetic location: 19q13.33.
Variant type: single nucleotide variant.
Coding change: c.374T>C on transcript NM_002691.4 (MANE Select); coding-DNA position 374, T replaced by C.
Protein change: p.Leu125Pro; replaces leucine 125 with proline.
Molecular consequence: missense variant. On other transcripts: non-coding transcript variant (1).
Genome position (GRCh38, 1-based): chr19:50,401,835, T>C. VCF-style: chr19-50401835-T-C. GRCh37 (hg19) VCF-style: chr19-50905092-T-C.
Other names: c.374T>C (NM_002691.3, NM_002691.2); c.374T>C, p.Leu125Pro (NM_001256849.1, NM_001308632.1); short protein forms L125P.
Identifiers: ClinVar variation 2422144 (VCV002422144.5), dbSNP rs2513955635, ClinGen allele CA406972314.